The following is an entry in ClinVar:

NM_024529.5(CDC73):c.158A>G (p.Glu53Gly)

Gene: CDC73 (cell division cycle 73; plus strand). Cytogenetic location: 1q31.2.
Variant type: single nucleotide variant.
Coding change: c.158A>G on transcript NM_024529.5 (MANE Select); coding-DNA position 158, A replaced by G.
Protein change: p.Glu53Gly; replaces glutamic acid 53 with glycine.
Molecular consequence: missense variant.
Genome position (GRCh38, 1-based): chr1:193,125,138, A>G. VCF-style: chr1-193125138-A-G. GRCh37 (hg19) VCF-style: chr1-193094268-A-G.
Other names: short protein forms E53G.
Identifiers: ClinVar variation 655539 (VCV000655539.9), dbSNP rs1572142551, ClinGen allele CA343973085.
Genomic context (GRCh38, chr1:193,125,138, plus strand): 5'-GTCAGTAAAAAAAATCTTGCCTTAATTATTTCAGGACTGGAAAGGAAGGCCAACCCAGAG[A>G]GTACTACACATTGGATTCCATTTTATTTCTACTTAATAACGTGCACCTTTCTCATCCTGT-3'
Protein context (NP_078805.3, residues 43-63): WGTGKEGQPR[Glu53Gly]YYTLDSILFL

ClinVar aggregate classification (germline): Uncertain significance (1 of 4 stars; one submission).

Conditions:
Parathyroid carcinoma (PRTC). Also called: Parathyroid gland carcinoma; CDC73-Related Parathyroid Carcinoma. Identifiers: Orphanet 143, MedGen C0687150, MONDO:0012004, OMIM 608266, HP:0006780.

Allele frequency attached by ClinVar (database versions not stated): gnomAD exomes below 0.00001.
gnomAD v4.1: 1 of 1,606,152 alleles (0.000062%); no homozygotes.

Submission:

Labcorp Genetics (formerly Invitae), Labcorp
Classification: Uncertain significance for Parathyroid carcinoma. Last evaluated: 2018-08-15. Review status: criteria provided, single submitter. Criteria: Invitae Variant Classification Sherloc (09022015). Collection method: clinical testing. Allele origin: germline.
Comment: This sequence change replaces glutamic acid with glycine at codon 53 of the CDC73 protein (p.Glu53Gly). The glutamic acid residue is highly conserved and there is a moderate physicochemical difference between glutamic acid and glycine. This variant is not present in population databases (ExAC no frequency). This variant has not been reported in the literature in individuals with CDC73-related disease. Algorithms developed to predict the effect of missense changes on protein structure and function are either unavailable or do not agree on the potential impact of this missense change (SIFT: "Deleterious"; PolyPhen-2: "Possibly Damaging"; Align-GVGD: "Class C0"). In summary, the available evidence is currently insufficient to determine the role of this variant in disease. Therefore, it has been classified as a Variant of Uncertain Significance.